The following is an entry in ClinVar:

NM_017570.5(OPLAH):c.364-9C>T

Gene: OPLAH (5-oxoprolinase, ATP-hydrolysing; minus strand). Cytogenetic location: 8q24.3.
Variant type: single nucleotide variant.
Coding change: c.364-9C>T on transcript NM_017570.5 (MANE Select); 9 bases into the intron before coding-DNA position 364, C replaced by T.
Molecular consequence: intron variant.
Genome position (GRCh38, 1-based): chr8:144,059,088, G>A on the plus strand (C>T on the coding strand, the complement: OPLAH is on the minus strand). VCF-style: chr8-144059088-G-A. GRCh37 (hg19) VCF-style: chr8-145113991-G-A.
Identifiers: ClinVar variation 743514 (VCV000743514.7), dbSNP rs781921497, ClinGen allele CA4932309.

ClinVar aggregate classification (germline): Likely benign. Review status: criteria provided, single submitter (1 of 4 stars). 2 submissions from 2 submitters: Likely benign (1). 1 of the submissions does not count toward it. Last evaluated 2025-08-04.

Conditions:
OPLAH-related disorder. Also called: OPLAH-related condition.
5-Oxoprolinase deficiency (OPLAHD). Also called: 5-OXOPROLINURIA DUE TO 5-OXOPROLINASE DEFICIENCY. Identifiers: Orphanet 33572, MedGen C0268525, MONDO:0009825, OMIM 260005, HP:0040142.

Allele frequency attached by ClinVar (database versions not stated): gnomAD exomes 0.00005 and 0.00004; TOPMed 0.00006; ExAC 0.00007; gnomAD 0.00002 and 0.00003.

Submissions (2):

Labcorp Genetics (formerly Invitae), Labcorp
Classification: Likely benign for 5-Oxoprolinase deficiency. Last evaluated: 2025-08-04. Review status: criteria provided, single submitter. Criteria: Invitae Variant Classification Sherloc (09022015). Collection method: clinical testing. Allele origin: germline.

PreventionGenetics, part of Exact Sciences
Classification: Likely benign for OPLAH-related condition. Last evaluated: 2020-02-18. Review status: no assertion criteria provided. Collection method: clinical testing. Allele origin: germline. Not counted in ClinVar's aggregate classification.
Comment: This variant is classified as likely benign based on ACMG/AMP sequence variant interpretation guidelines (Richards et al. 2015 PMID: 25741868, with internal and published modifications).